The following is an entry in ClinVar:

ClinVar aggregate classification (germline): Uncertain significance (1 of 4 stars; one submission).

Submission:

Ambry Genetics
Classification: Uncertain significance. Last evaluated: 2023-01-24. Review status: criteria provided, single submitter. Criteria: Ambry Variant Classification Scheme 2023. Collection method: clinical testing. Allele origin: germline.
Comment: The p.G70A variant (also known as c.209G>C), located in coding exon 1 of the EGLN1 gene, results from a G to C substitution at nucleotide position 209. The glycine at codon 70 is replaced by alanine, an amino acid with similar properties. This amino acid position is conserved. In addition, this alteration is predicted to be tolerated by in silico analysis. Since supporting evidence is limited at this time, the clinical significance of this alteration remains unclear.

NM_022051.3(EGLN1):c.209G>C (p.Gly70Ala)

Gene: EGLN1 (egl-9 family hypoxia inducible factor 1; minus strand). Cytogenetic location: 1q42.2.
Variant type: single nucleotide variant.
Coding change: c.209G>C on transcript NM_022051.3 (MANE Select); coding-DNA position 209, G replaced by C.
Protein change: p.Gly70Ala; replaces glycine 70 with alanine.
Molecular consequence: missense variant.
Genome position (GRCh38, 1-based): chr1:231,421,680, C>G on the plus strand (G>C on the coding strand, the complement: EGLN1 is on the minus strand). VCF-style: chr1-231421680-C-G. GRCh37 (hg19) VCF-style: chr1-231557426-C-G.
Other names: c.209G>C, p.Gly70Ala (NM_001377260.1, NM_001377261.1); short protein forms G70A.
Identifiers: ClinVar variation 2450383 (VCV002450383.2), dbSNP rs774670831, ClinGen allele CA345238588.